The following is an entry in ClinVar:

NM_001754.5(RUNX1):c.524T>A (p.Leu175Gln)

Genes: RUNX1 (RUNX family transcription factor 1; minus strand), RUNX1-AS1 (RUNX1 antisense RNA 1; plus strand). Cytogenetic location: 21q22.12.
Variant type: single nucleotide variant.
Coding change: c.524T>A on transcript NM_001754.5 (MANE Select); coding-DNA position 524, T replaced by A.
Protein change: p.Leu175Gln; replaces leucine 175 with glutamine.
Molecular consequence: missense variant.
Genome position (GRCh38, 1-based): chr21:34,859,563, A>T on the plus strand (T>A on the coding strand, the complement: RUNX1 is on the minus strand). VCF-style: chr21-34859563-A-T. GRCh37 (hg19) VCF-style: chr21-36231860-A-T.
Other names: NM_001754.5(RUNX1):c.524T>A; p.Leu175Gln; c.443T>A, p.Leu148Gln (NM_001001890.3, NM_001122607.2); short protein forms L175Q, L148Q.
Identifiers: ClinVar variation 2696801 (VCV002696801.4), dbSNP rs2146236679, ClinGen allele CA410208126.

ClinVar aggregate classification (germline): Uncertain significance. Review status: reviewed by expert panel (3 of 4 stars). 2 submissions from 2 submitters: Uncertain significance (1). 1 of the submissions does not count toward it. Last evaluated 2024-09-16.

Conditions:
Hereditary thrombocytopenia and hematological cancer predisposition syndrome associated with RUNX1. Also called: Familial Platelet Disorder with Propensity to Acute Myelogenous Leukemia; Familial thrombocytopenia with propensity to acute myelogenous leukemia; PLATELET DISORDER, ASPIRIN-LIKE; RUNX1 Familial Platelet Disorder with Associated Myeloid Malignancies. Identifiers: Orphanet 71290, MedGen C1832388, MeSH C563324, MONDO:0100083, OMIM 601399.
Hereditary thrombocytopenia and hematologic cancer predisposition syndrome. Identifiers: Orphanet 71290, MedGen CN281654, MONDO:0011071.

Submissions (2):

ClinGen Myeloid Malignancy Variant Curation Expert Panel
Classification: Uncertain significance for Hereditary thrombocytopenia and hematologic cancer predisposition syndrome. Last evaluated: 2024-09-16. Review status: reviewed by expert panel. Criteria: ClinGen MyeloMalig ACMG Specifications v2. Collection method: curation. Allele origin: germline. Inheritance: Autosomal dominant inheritance.
Comment: NM_001754.5(RUNX1):c.524T>A (p.Leu175Gln) is a missense variant which has a REVEL score ≥ 0.88 (0.952) (PP3). This missense variant is located within the Runt Homology Domain (AA 89-204), but does not occur in an established hotspot residue (PM1_supporting). This variant is completely absent from all population databases with at least 20x coverage for RUNX1 (PM2_supporting). In summary, the clinical significance of this variant is uncertain. ACMG/AMP criteria applied, as specified by the Myeloid Malignancy Variant Curation Expert Panel for RUNX1: PP3, PM1_supporting, PM2_supporting.

Labcorp Genetics (formerly Invitae), Labcorp
Classification: Uncertain significance for Hereditary thrombocytopenia and hematological cancer predisposition syndrome associated with RUNX1. Last evaluated: 2023-11-17. Review status: criteria provided, single submitter. Criteria: Invitae Variant Classification Sherloc (09022015). Collection method: clinical testing. Allele origin: germline. Not counted in ClinVar's aggregate classification.
Comment: This sequence change replaces leucine, which is neutral and non-polar, with glutamine, which is neutral and polar, at codon 175 of the RUNX1 protein (p.Leu175Gln). This variant is not present in population databases (gnomAD no frequency). This missense change has been observed in individual(s) with myeloid leukemia (PMID: 32782381). Advanced modeling of protein sequence and biophysical properties (such as structural, functional, and spatial information, amino acid conservation, physicochemical variation, residue mobility, and thermodynamic stability) has been performed at Invitae for this missense variant, however the output from this modeling did not meet the statistical confidence thresholds required to predict the impact of this variant on RUNX1 protein function. In summary, the available evidence is currently insufficient to determine the role of this variant in disease. Therefore, it has been classified as a Variant of Uncertain Significance.

Literature cited by the submitters: PubMed 32782381 (cited by Labcorp Genetics (formerly Invitae), Labcorp).